The following is an entry in ClinVar:

ClinVar aggregate classification (germline): Uncertain significance. Review status: criteria provided, multiple submitters, no conflicts (2 of 4 stars). 3 submissions from 3 submitters: Uncertain significance (3). Last evaluated 2025-10-27.

Conditions:
Hereditary cancer-predisposing syndrome. Also called: Neoplastic Syndromes, Hereditary; Tumor predisposition; Hereditary neoplastic syndrome; Hereditary Cancer Syndrome. Identifiers: Orphanet 140162, MedGen C0027672, MeSH D009386, MONDO:0015356.
BAP1-related tumor predisposition syndrome (TPDS1). Also called: TUMOR PREDISPOSITION SYNDROME 1; COMMON Syndrome; Tumor susceptibility linked to germline BAP1 mutations; BAP1 tumor predisposition syndrome. Identifiers: Orphanet 289539, MedGen C3280492, MONDO:0013692, OMIM 614327.

Allele frequency attached by ClinVar (database versions not stated): gnomAD exomes below 0.00001; TOPMed below 0.00001; ExAC 0.00001; gnomAD 0.00001.
gnomAD v4.1: 2 of 1,613,854 alleles (0.00012%); highest among the groups gnomAD compares: African/African-American, 0.0027%; no homozygotes.

Submissions (3):

Labcorp Genetics (formerly Invitae), Labcorp
Classification: Uncertain significance for BAP1-related tumor predisposition syndrome. Last evaluated: 2025-10-27. Review status: criteria provided, single submitter. Criteria: Invitae Variant Classification Sherloc (09022015). Collection method: clinical testing. Allele origin: germline.
Comment: This sequence change replaces lysine, which is basic and polar, with arginine, which is basic and polar, at codon 333 of the BAP1 protein (p.Lys333Arg). This variant is not present in population databases (gnomAD no frequency). This variant has not been reported in the literature in individuals affected with BAP1-related conditions. ClinVar contains an entry for this variant (Variation ID: 823589). Invitae Evidence Modeling of protein sequence and biophysical properties (such as structural, functional, and spatial information, amino acid conservation, physicochemical variation, residue mobility, and thermodynamic stability) indicates that this missense variant is not expected to disrupt BAP1 protein function with a negative predictive value of 80%. In summary, the available evidence is currently insufficient to determine the role of this variant in disease. Therefore, it has been classified as a Variant of Uncertain Significance.

Ambry Genetics
Classification: Uncertain significance for Hereditary cancer-predisposing syndrome. Last evaluated: 2025-01-06. Review status: criteria provided, single submitter. Criteria: Ambry Variant Classification Scheme 2023. Collection method: clinical testing. Allele origin: germline.
Comment: The p.K333R variant (also known as c.998A>G), located in coding exon 11 of the BAP1 gene, results from an A to G substitution at nucleotide position 998. The lysine at codon 333 is replaced by arginine, an amino acid with highly similar properties. This amino acid position is highly conserved in available vertebrate species. In addition, this alteration is predicted to be tolerated by in silico analysis. Since supporting evidence is limited at this time, the clinical significance of this alteration remains unclear.

GeneDx
Classification: Uncertain significance. Last evaluated: 2024-02-06. Review status: criteria provided, single submitter. Criteria: GeneDx Variant Classification Process June 2021. Collection method: clinical testing. Allele origin: germline. Affected: yes.
Comment: Not observed at significant frequency in large population cohorts (gnomAD); In silico analysis supports that this missense variant does not alter protein structure/function; Has not been previously published as pathogenic or benign to our knowledge

NM_004656.4(BAP1):c.998A>G (p.Lys333Arg)

Gene: BAP1 (BRCA1 associated deubiquitinase 1; minus strand). Cytogenetic location: 3p21.1.
Variant type: single nucleotide variant.
Coding change: c.998A>G on transcript NM_004656.4 (MANE Select); coding-DNA position 998, A replaced by G.
Protein change: p.Lys333Arg; replaces lysine 333 with arginine.
Molecular consequence: missense variant.
Genome position (GRCh38, 1-based): chr3:52,405,228, T>C on the plus strand (A>G on the coding strand, the complement: BAP1 is on the minus strand). VCF-style: chr3-52405228-T-C. GRCh37 (hg19) VCF-style: chr3-52439244-T-C.
Other names: c.998A>G (NM_004656.3); short protein forms K333R.
Identifiers: ClinVar variation 823589 (VCV000823589.9), dbSNP rs774251645, ClinGen allele CA2436941.
Genomic context (GRCh38, chr3:52,405,228, plus strand): 5'-ATGGGAGTGGGGTTGGGGTGAACCCCATTGAGGCTGCTGCCTGGAGGCTTCACCACTAGC[T>C]TGGGTTTGTTGGGAGGGCTGTGGGATGGGGCTTGTGCGCATGAACCAGCCGCCTCCTCTG-3'
Protein context (NP_004647.1, residues 323-343): APSHSPPNKP[Lys333Arg]LVVKPPGSSL